The following is an entry in ClinVar:

ClinVar aggregate classification (germline): Uncertain significance (1 of 4 stars; one submission).

Submission:

GeneDx
Classification: Uncertain significance. Last evaluated: 2025-04-16. Review status: criteria provided, single submitter. Criteria: GeneDx Variant Classification Process June 2021. Collection method: clinical testing. Allele origin: germline. Affected: yes.
Comment: Not observed at significant frequency in large population cohorts (gnomAD); In silico analysis supports that this missense variant has a deleterious effect on protein structure/function; Has not been previously published as pathogenic or benign to our knowledge

NM_004304.5(ALK):c.1391G>A (p.Gly464Glu)

Gene: ALK (ALK receptor tyrosine kinase; minus strand). Cytogenetic location: 2p23.2.
Variant type: single nucleotide variant.
Coding change: c.1391G>A on transcript NM_004304.5 (MANE Select); coding-DNA position 1391, G replaced by A.
Protein change: p.Gly464Glu; replaces glycine 464 with glutamic acid.
Molecular consequence: missense variant.
Genome position (GRCh38, 1-based): chr2:29,328,373, C>T on the plus strand (G>A on the coding strand, the complement: ALK is on the minus strand). VCF-style: chr2-29328373-C-T. GRCh37 (hg19) VCF-style: chr2-29551239-C-T.
Other names: short protein forms G464E.
Identifiers: ClinVar variation 4282193 (VCV004282193.1).